The following is an entry in ClinVar:

NM_000179.3(MSH6):c.1369G>T (p.Ala457Ser)

Gene: MSH6 (mutS homolog 6; plus strand). Cytogenetic location: 2p16.3.
Variant type: single nucleotide variant.
Coding change: c.1369G>T on transcript NM_000179.3 (MANE Select); coding-DNA position 1369, G replaced by T.
Protein change: p.Ala457Ser; replaces alanine 457 with serine.
Molecular consequence: missense variant. On other transcripts: non-coding transcript variant (4), intron variant (1).
Genome position (GRCh38, 1-based): chr2:47,799,352, G>T. VCF-style: chr2-47799352-G-T. GRCh37 (hg19) VCF-style: chr2-48026491-G-T.
Other names: c.979G>T, p.Ala327Ser (NM_001281492.2); c.463G>T, p.Ala155Ser (NM_001281493.2, NM_001281494.2, NM_001406811.1 and 6 more transcripts); c.1465G>T, p.Ala489Ser (NM_001406795.1, NM_001406802.1); c.1369G>T, p.Ala457Ser (NM_001406796.1, NM_001406798.1, NM_001406800.1 and 4 more transcripts); c.1072G>T, p.Ala358Ser (NM_001406797.1, NM_001406801.1, NM_001406805.1 and 10 more transcripts); c.844G>T, p.Ala282Ser (NM_001406799.1, NM_001406806.1, NM_001406807.1); c.1291G>T, p.Ala431Ser (NM_001406804.1); c.1375G>T, p.Ala459Ser (NM_001406813.1); and 2 more; short protein forms A155S, A282S, A327S, A358S, A401S, A431S, A457S, A459S.
Identifiers: ClinVar variation 3230497 (VCV003230497.1), dbSNP rs267608052, ClinGen allele CA346744899.
Genomic context (GRCh38, chr2:47,799,352, plus strand): 5'-CACATGGATGCTCTTATTGGAGTCAGTGAACTGGGGCTGGTATTCATGAAAGGCAACTGG[G>T]CCCATTCTGGCTTTCCTGAAATTGCATTTGGCCGTTATTCAGATTCCCTGGTGCAGAAGG-3'
Protein context (NP_000170.1, residues 447-467): LGLVFMKGNW[Ala457Ser]HSGFPEIAFG

ClinVar aggregate classification (germline): Uncertain significance (1 of 4 stars; one submission).

Conditions:
Hereditary cancer-predisposing syndrome. Also called: Neoplastic Syndromes, Hereditary; Tumor predisposition; Hereditary neoplastic syndrome; Hereditary Cancer Syndrome. Identifiers: Orphanet 140162, MedGen C0027672, MeSH D009386, MONDO:0015356.

Submission:

Ambry Genetics
Classification: Uncertain significance for Hereditary cancer-predisposing syndrome. Last evaluated: 2023-10-04. Review status: criteria provided, single submitter. Criteria: Ambry Variant Classification Scheme 2023. Collection method: clinical testing. Allele origin: germline.
Comment: The p.A457S variant (also known as c.1369G>T), located in coding exon 4 of the MSH6 gene, results from a G to T substitution at nucleotide position 1369. The alanine at codon 457 is replaced by serine, an amino acid with similar properties. This amino acid position is highly conserved in available vertebrate species. In addition, this alteration is predicted to be deleterious by in silico analysis. Since supporting evidence is limited at this time, the clinical significance of this alteration remains unclear.